The following is an entry in ClinVar:

NM_139076.3(ABRAXAS1):c.225T>G (p.Asn75Lys)

Gene: ABRAXAS1 (abraxas 1, BRCA1 A complex subunit; minus strand). Cytogenetic location: 4q21.23.
Variant type: single nucleotide variant.
Coding change: c.225T>G on transcript NM_139076.3 (MANE Select); coding-DNA position 225, T replaced by G.
Protein change: p.Asn75Lys; replaces asparagine 75 with lysine.
Molecular consequence: missense variant. On other transcripts: intron variant (1).
Genome position (GRCh38, 1-based): chr4:83,472,279, A>C on the plus strand (T>G on the coding strand, the complement: ABRAXAS1 is on the minus strand). VCF-style: chr4-83472279-A-C. GRCh37 (hg19) VCF-style: chr4-84393432-A-C.
Other names: c.-45-1883T>G (NM_001345962.2); short protein forms N75K.
Identifiers: ClinVar variation 1799577 (VCV001799577.3), dbSNP rs1722613212, ClinGen allele CA357261143.

ClinVar aggregate classification (germline): Uncertain significance (1 of 4 stars; one submission).

Submission:

Ambry Genetics
Classification: Uncertain significance. Last evaluated: 2025-08-10. Review status: criteria provided, single submitter. Criteria: Ambry Variant Classification Scheme 2023. Collection method: clinical testing. Allele origin: germline.
Comment: The p.N75K variant (also known as c.225T>G), located in coding exon 4 of the FAM175A gene, results from a T to G substitution at nucleotide position 225. The asparagine at codon 75 is replaced by lysine, an amino acid with similar properties. This amino acid position is conserved. In addition, this alteration is predicted to be tolerated by in silico analysis. Since supporting evidence is limited at this time, the clinical significance of this alteration remains unclear.